The following is an entry in ClinVar:

NM_001853.4(COL9A3):c.245C>T (p.Pro82Leu)

Gene: COL9A3 (collagen type IX alpha 3 chain; plus strand). Cytogenetic location: 20q13.33.
Variant type: single nucleotide variant.
Coding change: c.245C>T on transcript NM_001853.4 (MANE Select); coding-DNA position 245, C replaced by T.
Protein change: p.Pro82Leu; replaces proline 82 with leucine.
Molecular consequence: missense variant.
Genome position (GRCh38, 1-based): chr20:62,819,283, C>T. VCF-style: chr20-62819283-C-T. GRCh37 (hg19) VCF-style: chr20-61450635-C-T.
Other names: short protein forms P82L.
Identifiers: ClinVar variation 804596 (VCV000804596.18), dbSNP rs199653123, ClinGen allele CA9949080.

ClinVar aggregate classification (germline): Conflicting classifications of pathogenicity. Review status: criteria provided, conflicting classifications (1 of 4 stars). 6 submissions from 6 submitters: Uncertain significance (3); Benign (2); Likely benign (1). Last evaluated 2026-09-15.

Conditions:
Connective tissue disorder. Also called: Connective tissue disease. Identifiers: MedGen C0009782, MONDO:0003900.
Inborn genetic diseases. Identifiers: MedGen C0950123, MeSH D030342.

Allele frequency attached by ClinVar (database versions not stated): TOPMed 0.00013; gnomAD 0.00011; ESP Exome Variant Server 0.00008.
gnomAD v4.1: 233 of 1,610,710 alleles (0.014%); highest among the groups gnomAD compares: Non-Finnish European, 0.015%; no homozygotes.

Submissions (6):

GeneDx
Classification: Uncertain significance. Last evaluated: 2026-09-15. Review status: criteria provided, single submitter. Criteria: GeneDx Variant Classification Process June 2021. Collection method: clinical testing. Allele origin: germline.
Comment: In silico analysis, which includes protein predictors and evolutionary conservation, supports a deleterious effect; Has not been previously published as pathogenic or benign to our knowledge

Labcorp Genetics (formerly Invitae), Labcorp
Classification: Likely benign. Last evaluated: 2025-12-23. Review status: criteria provided, single submitter. Criteria: Invitae Variant Classification Sherloc (09022015). Collection method: clinical testing. Allele origin: germline.

Blueprint Genetics
Classification: Benign. Last evaluated: 2024-06-14. Review status: criteria provided, single submitter. Criteria: ACMG Guidelines, 2015. Collection method: clinical testing. Allele origin: germline.

Ambry Genetics
Classification: Uncertain significance for Inborn genetic diseases. Last evaluated: 2024-01-25. Review status: criteria provided, single submitter. Criteria: Ambry Variant Classification Scheme 2023. Collection method: clinical testing. Allele origin: germline.

Athena Diagnostics
Classification: Benign. Last evaluated: 2022-07-21. Review status: criteria provided, single submitter. Criteria: Athena Diagnostics Criteria. Collection method: clinical testing. Allele origin: unknown.

Genome Diagnostics Laboratory, The Hospital for Sick Children
Classification: Uncertain significance for Connective tissue disorder. Last evaluated: 2019-12-01. Review status: criteria provided, single submitter. Criteria: ACMG Guidelines, 2015. Collection method: clinical testing. Allele origin: germline.